The following is an entry in ClinVar:

ClinVar aggregate classification (germline): Uncertain significance (1 of 4 stars; one submission).

Conditions:
Singleton-Merten syndrome 1 (SGMRT1). Also called: Syndrome of widened medullary cavities of the metacarpals and phalanges, aortic calcification and abnormal dentition; Widened medullary cavities of bone, aortic calcification, abnormal dentition, and muscular weakness. Identifiers: Orphanet 85191, MedGen C4225427, MONDO:0024535, OMIM 182250.
Aicardi-Goutieres syndrome 7 (AGS7). Identifiers: Orphanet 51, MedGen C3888244, MONDO:0014367, OMIM 615846.

Submission:

Labcorp Genetics (formerly Invitae), Labcorp
Classification: Uncertain significance for Aicardi-Goutieres syndrome 7; Singleton-Merten syndrome 1. Last evaluated: 2025-05-14. Review status: criteria provided, single submitter. Criteria: Invitae Variant Classification Sherloc (09022015). Collection method: clinical testing. Allele origin: germline.
Comment: This sequence change replaces phenylalanine, which is neutral and non-polar, with isoleucine, which is neutral and non-polar, at codon 724 of the IFIH1 protein (p.Phe724Ile). This variant is not present in population databases (gnomAD no frequency). This variant has not been reported in the literature in individuals affected with IFIH1-related conditions. ClinVar contains an entry for this variant (Variation ID: 3753625). Invitae Evidence Modeling of protein sequence and biophysical properties (such as structural, functional, and spatial information, amino acid conservation, physicochemical variation, residue mobility, and thermodynamic stability) has been performed for this missense variant. However, the output from this modeling did not meet the statistical confidence thresholds required to predict the impact of this variant on IFIH1 protein function. In summary, the available evidence is currently insufficient to determine the role of this variant in disease. Therefore, it has been classified as a Variant of Uncertain Significance.

NM_022168.4(IFIH1):c.2170T>A (p.Phe724Ile)

Gene: IFIH1 (interferon induced with helicase C domain 1; minus strand). Cytogenetic location: 2q24.2.
Variant type: single nucleotide variant.
Coding change: c.2170T>A on transcript NM_022168.4 (MANE Select); coding-DNA position 2170, T replaced by A.
Protein change: p.Phe724Ile; replaces phenylalanine 724 with isoleucine.
Molecular consequence: missense variant.
Genome position (GRCh38, 1-based): chr2:162,276,821, A>T on the plus strand (T>A on the coding strand, the complement: IFIH1 is on the minus strand). VCF-style: chr2-162276821-A-T. GRCh37 (hg19) VCF-style: chr2-163133331-A-T.
Other names: short protein forms F724I.
Identifiers: ClinVar variation 3753625 (VCV003753625.2).
Genomic context (GRCh38, chr2:162,276,821, plus strand): 5'-ATTTTTCATTTTCAGTAATCCACTGGGAAAGCGCATATGCACTCTGTCGTGTTTTTGTAA[A>T]GATTATTCCTCGTGCTGATTCCTCAGTCCTAGTATATTGCTCCATTATGGTATTTCTTAA-3'
Protein context (NP_071451.2, residues 714-734): RTEESARGII[Phe724Ile]TKTRQSAYAL